The following is an entry in ClinVar:

NM_001401501.2(MUC16):c.7702G>A (p.Ala2568Thr)

Gene: MUC16 (mucin 16, cell surface associated; minus strand). Cytogenetic location: 19p13.2.
Variant type: single nucleotide variant.
Coding change: c.7702G>A on transcript NM_001401501.2 (MANE Select); coding-DNA position 7702, G replaced by A.
Protein change: p.Ala2568Thr; replaces alanine 2568 with threonine.
Molecular consequence: missense variant.
Genome position (GRCh38, 1-based): chr19:8,973,557, C>T on the plus strand (G>A on the coding strand, the complement: MUC16 is on the minus strand). VCF-style: chr19-8973557-C-T. GRCh37 (hg19) VCF-style: chr19-9084233-C-T.
Other names: c.8128G>A, p.Ala2710Thr (NM_001414686.1); c.7582G>A, p.Ala2528Thr (NM_001414687.1, NM_024690.2); short protein forms A2528T, A2568T, A2710T.
Identifiers: ClinVar variation 781412 (VCV000781412.6), dbSNP rs28703580, ClinGen allele CA9172153.

ClinVar aggregate classification (germline): Benign. Review status: criteria provided, multiple submitters, no conflicts (2 of 4 stars). 3 submissions from 3 submitters: Benign (2). 1 of the submissions does not count toward it. Last evaluated 2018-08-14.

Conditions:
MUC16-related disorder. Also called: MUC16-related condition.

Allele frequency attached by ClinVar (database versions not stated): gnomAD exomes 0.00570 and 0.00237; ExAC 0.00690; 1000 Genomes Project 0.02256; 1000 Genomes Project 30x 0.02436; TOPMed 0.02468; gnomAD 0.02178 and 0.02329; ESP Exome Variant Server 0.02310.

Submissions (3):

Labcorp Genetics (formerly Invitae), Labcorp
Classification: Benign. Last evaluated: 2018-08-14. Review status: criteria provided, single submitter. Criteria: Invitae Variant Classification Sherloc (09022015). Collection method: clinical testing. Allele origin: germline.

Breakthrough Genomics
Classification: Benign. Review status: criteria provided, single submitter. Criteria: ACMG Guidelines, 2015. Collection method: not provided. Allele origin: germline. Inheritance: Unknown mechanism. Affected: yes.

PreventionGenetics, part of Exact Sciences
Classification: Benign for MUC16-related condition. Last evaluated: 2019-10-01. Review status: no assertion criteria provided. Collection method: clinical testing. Allele origin: germline. Not counted in ClinVar's aggregate classification.
Comment: This variant is classified as benign based on ACMG/AMP sequence variant interpretation guidelines (Richards et al. 2015 PMID: 25741868, with internal and published modifications).